The following is an entry in ClinVar:

ClinVar aggregate classification (germline): Pathogenic (1 of 4 stars; one submission).

Submission:

Labcorp Genetics (formerly Invitae), Labcorp
Classification: Pathogenic. Last evaluated: 2022-11-29. Review status: criteria provided, single submitter. Criteria: Invitae Variant Classification Sherloc (09022015). Collection method: clinical testing. Allele origin: germline.
Comment: For these reasons, this variant has been classified as Pathogenic. ClinVar contains an entry for this variant (Variation ID: 1454245). This variant has not been reported in the literature in individuals affected with USH2A-related conditions. This variant is not present in population databases (gnomAD no frequency). This sequence change creates a premature translational stop signal (p.Cys3295Leufs*51) in the USH2A gene. It is expected to result in an absent or disrupted protein product. Loss-of-function variants in USH2A are known to be pathogenic (PMID: 10729113, 10909849, 20507924, 25649381).

Literature cited by the submitters: PubMed 10729113; PubMed 10909849; PubMed 20507924; PubMed 25649381.

NM_206933.4(USH2A):c.9881_9882insT (p.Cys3295fs)

Gene: USH2A (usherin; minus strand). Cytogenetic location: 1q41.
Variant type: Insertion.
Coding change: c.9881_9882insT on transcript NM_206933.4 (MANE Select); coding-DNA positions 9881 to 9882, T inserted.
Protein change: p.Cys3295fs; shifts the reading frame from cysteine 3295.
Molecular consequence: frameshift variant.
Genome position: GRCh38 VCF-style: chr1-215798983-G-GA. GRCh37 (hg19) VCF-style: chr1-215972325-G-GA.
Other names: short protein forms C3295fs.
Identifiers: ClinVar variation 1454245 (VCV001454245.6), dbSNP rs2102778595, ClinGen allele CA2573131592.